The following is an entry in ClinVar:

NM_000089.4(COL1A2):c.1436C>T (p.Pro479Leu)

Gene: COL1A2 (collagen type I alpha 2 chain; plus strand). Cytogenetic location: 7q21.3.
Variant type: single nucleotide variant.
Coding change: c.1436C>T on transcript NM_000089.4 (MANE Select); coding-DNA position 1436, C replaced by T.
Protein change: p.Pro479Leu; replaces proline 479 with leucine.
Molecular consequence: missense variant.
Genome position (GRCh38, 1-based): chr7:94,412,615, C>T. VCF-style: chr7-94412615-C-T. GRCh37 (hg19) VCF-style: chr7-94041927-C-T.
Other names: short protein forms P479L.
Identifiers: ClinVar variation 1772625 (VCV001772625.2), dbSNP rs2484713616, ClinGen allele CA368221851.
Genomic context (GRCh38, chr7:94,412,615, plus strand): 5'-GAGTAAACTTGAAATAACTCTGCTTTCAGGGCCTCCCTGGCATCGACGGCAGGCCTGGCC[C>T]AATTGGCCCAGCTGGAGCAAGAGGAGAGCCTGGCAACATTGGATTCCCTGGACCCAAAGG-3'
Protein context (NP_000080.2, residues 469-489): GLPGIDGRPG[Pro479Leu]IGPAGARGEP

ClinVar aggregate classification (germline): Uncertain significance (1 of 4 stars; one submission).

Conditions:
Cardiovascular phenotype. Identifiers: MedGen CN230736.

Submission:

Ambry Genetics
Classification: Uncertain significance for Cardiovascular phenotype. Last evaluated: 2020-01-08. Review status: criteria provided, single submitter. Criteria: Ambry Variant Classification Scheme 2023. Collection method: clinical testing. Allele origin: germline.
Comment: The p.P479L variant (also known as c.1436C>T), located in coding exon 25 of the COL1A2 gene, results from a C to T substitution at nucleotide position 1436. The proline at codon 479 is replaced by leucine, an amino acid with similar properties. This amino acid position is highly conserved in available vertebrate species. In addition, this alteration is predicted to be deleterious by in silico analysis. Since supporting evidence is limited at this time, the clinical significance of this alteration remains unclear.